The following is an entry in ClinVar:

NM_006218.4(PIK3CA):c.1631C>T (p.Thr544Ile)

Gene: PIK3CA (phosphatidylinositol-4,5-bisphosphate 3-kinase catalytic subunit alpha; plus strand). Cytogenetic location: 3q26.32.
Variant type: single nucleotide variant.
Coding change: c.1631C>T on transcript NM_006218.4 (MANE Select); coding-DNA position 1631, C replaced by T.
Protein change: p.Thr544Ile; replaces threonine 544 with isoleucine.
Molecular consequence: missense variant.
Genome position (GRCh38, 1-based): chr3:179,218,301, C>T. VCF-style: chr3-179218301-C-T. GRCh37 (hg19) VCF-style: chr3-178936089-C-T.
Other names: short protein forms T544I.
Identifiers: ClinVar variation 4690213 (VCV004690213.1).

ClinVar aggregate classification (somatic clinical impact): Tier II - Potential (0 of 4 stars; one submission).

Conditions:
Cervical squamous cell carcinoma. Identifiers: Orphanet 213767, MedGen C0279671, MONDO:0006143.

Submission:

The Xing Lab, The Johns Hopkins University School of Medicine
Classification: Tier II - Potential for Cervical squamous cell carcinoma. Assertion type: diagnostic. Clinical significance: supports diagnosis. Last evaluated: 2025-11-30. Review status: no assertion criteria provided. Collection method: research. Allele origin: somatic. Affected: yes. Observed: 1 variant allele.
Comment: Variant has Tier II (potential) clinical significance as a diagnostic inclusion criterion in cervical squamous cell carcinoma, based on the following evidence: 1) Documented in one or more cancer databases (e.g., COSMIC). 2) PIK3CA T544I lies within the PIK helical domain of the Pik3ca protein; 3) Diagnostic significance for some tumors based on multiple studies (Evidence Level D; PMIDs: 22357840; 25073438; 26276776).

Literature cited by the submitters: PubMed 26169833; PubMed 39706867; PubMed 39717717; PubMed 26358014; PubMed 35568000; PubMed 36800542.